The following is an entry in ClinVar:

NM_001267550.2(TTN):c.28055T>C (p.Leu9352Ser)

Gene: TTN (titin; minus strand). Cytogenetic location: 2q31.2.
Variant type: single nucleotide variant.
Coding change: c.28055T>C on transcript NM_001267550.2 (MANE Select); coding-DNA position 28055, T replaced by C.
Protein change: p.Leu9352Ser; replaces leucine 9352 with serine.
Molecular consequence: missense variant. On other transcripts: intron variant (3).
Genome position (GRCh38, 1-based): chr2:178,711,181, A>G on the plus strand (T>C on the coding strand, the complement: TTN is on the minus strand). VCF-style: chr2-178711181-A-G. GRCh37 (hg19) VCF-style: chr2-179575908-A-G.
Other names: c.27104T>C, p.Leu9035Ser (NM_001256850.1); c.24323T>C, p.Leu8108Ser (NM_133378.4); c.13282+26901T>C (NM_003319.4); c.13858+26901T>C (NM_133437.4); c.13657+26901T>C (NM_133432.3); short protein forms L8108S, L9352S, L9035S.
Identifiers: ClinVar variation 263795 (VCV000263795.14), dbSNP rs776487201, ClinGen allele CA1999665.

ClinVar aggregate classification (germline): Conflicting classifications of pathogenicity. Review status: criteria provided, conflicting classifications (1 of 4 stars). 4 submissions from 4 submitters: Uncertain significance (2); Likely benign (2). Last evaluated 2026-02-02.

Conditions:
Cardiovascular phenotype. Identifiers: MedGen CN230736.
Dilated cardiomyopathy 1G (CMD1G). Identifiers: Orphanet 154, MedGen C1858763, MONDO:0011400, OMIM 604145.
Autosomal recessive limb-girdle muscular dystrophy type 2J (LGMDR10). Also called: Limb-girdle muscular dystrophy, type 2J; MUSCULAR DYSTROPHY, LIMB-GIRDLE, AUTOSOMAL RECESSIVE 10. Identifiers: Orphanet 140922, MedGen C1837342, MONDO:0012127, OMIM 608807.

Allele frequency attached by ClinVar (database versions not stated): gnomAD exomes 0.00014 and 0.00003; gnomAD 0.00001; TOPMed 0.00005; ExAC 0.00012.
gnomAD v4.1: 39 of 1,613,728 alleles (0.0024%); highest among the groups gnomAD compares: Admixed American, 0.062%; no homozygotes.

Submissions (4):

Labcorp Genetics (formerly Invitae), Labcorp
Classification: Likely benign for Dilated cardiomyopathy 1G; Autosomal recessive limb-girdle muscular dystrophy type 2J. Last evaluated: 2026-02-02. Review status: criteria provided, single submitter. Criteria: Invitae Variant Classification Sherloc (09022015). Collection method: clinical testing. Allele origin: germline.

Women's Health and Genetics/Laboratory Corporation of America, LabCorp
Classification: Uncertain significance. Last evaluated: 2025-07-09. Review status: criteria provided, single submitter. Criteria: LabCorp Variant Classification Summary - May 2015. Collection method: clinical testing. Allele origin: germline.

GeneDx
Classification: Likely benign. Last evaluated: 2017-12-21. Review status: criteria provided, single submitter. Criteria: GeneDx Variant Classification (06012015). Collection method: clinical testing. Allele origin: germline. Affected: yes.
Comment: This variant is considered likely benign or benign based on one or more of the following criteria: it is a conservative change, it occurs at a poorly conserved position in the protein, it is predicted to be benign by multiple in silico algorithms, and/or has population frequency not consistent with disease.

Ambry Genetics
Classification: Uncertain significance for Cardiovascular phenotype. Last evaluated: 2013-11-04. Review status: criteria provided, single submitter. Criteria: Ambry Autosomal Dominant and X-Linked criteria (10/2015). Collection method: clinical testing. Allele origin: germline. Observed: 1 variant allele.
Comment: The p.L8108S variant (also known as c.24323T>C) is located in coding exon 93 of the TTNgene. This alteration results from a T to C substitution at nucleotide position 24323. The leucine at codon 8108 is replaced by serine, an amino acid with dissimilar properties.This variant was not reported in population-based cohorts in the following databases: Database of Single Nucleotide Polymorphisms (dbSNP), the 1000 Genomes Project and the NHLBI Exome Sequencing Project (ESP). In the ESP, this variant was not observed in 5971 samples (11942 alleles) with coverage at this position.Based on protein sequence alignment, this amino acid position is not well conserved in available vertebrate species. In addition, this alteration is predicted to be possibly damaging by PolyPhen in silico analysis. Since supporting evidence is limited at this time, the clinical significance of this variant remains unclear.